The following is an entry in ClinVar:

ClinVar aggregate classification (germline): Uncertain significance (1 of 4 stars; one submission).

Submission:

GeneDx
Classification: Uncertain significance. Last evaluated: 2024-09-23. Review status: criteria provided, single submitter. Criteria: GeneDx Variant Classification Process June 2021. Collection method: clinical testing. Allele origin: germline. Affected: yes.
Comment: Not observed at significant frequency in large population cohorts (gnomAD); In silico analysis indicates that this missense variant does not alter protein structure/function; Has not been previously published as pathogenic or benign to our knowledge

NM_030632.3(ASXL3):c.5576G>A (p.Cys1859Tyr)

Gene: ASXL3 (ASXL transcriptional regulator 3; plus strand). Cytogenetic location: 18q12.1.
Variant type: single nucleotide variant.
Coding change: c.5576G>A on transcript NM_030632.3 (MANE Select); coding-DNA position 5576, G replaced by A.
Protein change: p.Cys1859Tyr; replaces cysteine 1859 with tyrosine.
Molecular consequence: missense variant.
Genome position (GRCh38, 1-based): chr18:33,745,424, G>A. VCF-style: chr18-33745424-G-A. GRCh37 (hg19) VCF-style: chr18-31325388-G-A.
Other names: short protein forms C1859Y.
Identifiers: ClinVar variation 3773881 (VCV003773881.1).